The following is an entry in ClinVar:

ClinVar aggregate classification (germline): Pathogenic. Review status: criteria provided, multiple submitters, no conflicts (2 of 4 stars). 5 submissions from 5 submitters: Pathogenic (4). 1 of the submissions does not count toward it. Last evaluated 2025-09-10.

Conditions:
Severe combined immunodeficiency disease. Also called: Severe Combined Immune Deficiency; Severe combined immunodeficiency. Identifiers: Orphanet 183660, MedGen C0085110, MeSH D016511, MONDO:0015974, HP:0004430. Inheritance: X-Linked or Autosomal recessive.
Reticular dysgenesis. Also called: ALEUKOCYTOSIS; CONGENITAL ALEUKIA; HEMATOPOIETIC HYPOPLASIA, GENERALIZED; RETICULAR DYSGENESIA; SEVERE COMBINED IMMUNODEFICIENCY WITH LEUKOPENIA; DeVaal disease. Identifiers: Orphanet 33355, MedGen C0272167, MONDO:0009973, OMIM 267500.

Allele frequency attached by ClinVar (database versions not stated): gnomAD exomes 0.00001; TOPMed 0.00001.

Submissions (5):

Genomic Medicine Center of Excellence, King Faisal Specialist Hospital and Research Centre
Classification: Pathogenic for Reticular dysgenesis. Last evaluated: 2025-09-10. Review status: criteria provided, single submitter. Criteria: ACMG Guidelines, 2015. Collection method: clinical testing. Allele origin: germline.

Women's Health and Genetics/Laboratory Corporation of America, LabCorp
Classification: Pathogenic for Severe combined immunodeficiency disease. Last evaluated: 2025-04-23. Review status: criteria provided, single submitter. Criteria: LabCorp Variant Classification Summary - May 2015. Collection method: clinical testing. Allele origin: germline.
Comment: Variant summary: AK2 c.1A>G (p.Met1Val) alters the initiation codon and is predicted to result either in absence of the protein or truncation of the encoded protein due to translation initiation at a downstream codon. An alternative downstream in-frame start codon (Met49) is located in the encoded protein. An activation of potential downstream translation initiation site would result in a shortened protein missing the first 48 amino acids from the protein sequence. Two of four in-silico tools predict a benign effect of the variant on protein function. The variant allele was found at a frequency of 9.6e-06 in 208954 control chromosomes. c.1A>G has been observed as a biallelic genotype in multiple individuals affected with Reticular Dysgenesis (e.g. Pannicke_2009, Guilcher_2017, Marakhonov_2024). These data indicate that the variant is very likely to be associated with disease. To our knowledge, no experimental evidence demonstrating an impact on protein function has been reported. The following publications have been ascertained in the context of this evaluation (PMID: 27913909, 28331055, 38578360, 19043417). ClinVar contains an entry for this variant (Variation ID: 18252). Based on the evidence outlined above, the variant was classified as pathogenic.

Neuberg Centre For Genomic Medicine, NCGM
Classification: Pathogenic for Reticular dysgenesis. Last evaluated: 2024-02-01. Review status: criteria provided, single submitter. Criteria: ACMG Guidelines, 2015. Collection method: clinical testing. Allele origin: germline. Inheritance: Autosomal recessive inheritance.
Comment: The start lost c.1A>G (p.Met1?) variant in AK2 gene has been reported previously in compound heterozygous state in an individual affected with reticular dysgenesis (Pannicke et al., 2009).The p.Met1? variant is predicted to disrupt the initiation codon, and thus potentially may interfere with protein expression

Laboratory of Hereditary Immune Disorders, Research Centre for Medical Genetics
Classification: Pathogenic for Reticular dysgenesis. Last evaluated: 2023-12-02. Review status: criteria provided, single submitter. Criteria: ACMG Guidelines, 2015. Collection method: clinical testing. Allele origin: biparental. Inheritance: Autosomal recessive inheritance. Affected: yes. Observed: 1 homozygote.
Comment: This variant has been previously reported in the literature multiple times (PMIDs: 19043417) and is listed in gnomAD v2.1.1 two times in heterozygous individuals. The loss of translation initiation codon should lead to near complete reduction in translation level or synthesis of N-terminally truncated protein (the next ATG-codon located in position Met49. Taken together, the variant meets the following ACMG/AMP criteria and can be classified as pathogenic with PM2, PP3, PVS1, PP5, PP4 criteria.

OMIM
Classification: Pathogenic for RETICULAR DYSGENESIS. Last evaluated: 2009-01-01. Review status: no assertion criteria provided. Collection method: literature only. Allele origin: germline. Not counted in ClinVar's aggregate classification.

Literature cited by the submitters: PubMed 28331055 (cited by Women's Health and Genetics/Laboratory Corporation of America, LabCorp); PubMed 19043417 (cited by Women's Health and Genetics/Laboratory Corporation of America, LabCorp and OMIM); PubMed 27913909 (cited by Women's Health and Genetics/Laboratory Corporation of America, LabCorp); PubMed 38578360 (cited by Women's Health and Genetics/Laboratory Corporation of America, LabCorp and Laboratory of Hereditary Immune Disorders, Research Centre for Medical Genetics).

NM_001625.4(AK2):c.1A>G (p.Met1Val)

Genes: AK2 (adenylate kinase 2; minus strand), LOC129930068 (ATAC-STARR-seq lymphoblastoid active region 705; plus strand). Cytogenetic location: 1p35.1.
Variant type: single nucleotide variant.
Coding change: c.1A>G on transcript NM_001625.4 (MANE Select); coding-DNA position 1, A replaced by G.
Protein change: p.Met1Val; changes the start codon (methionine 1).
Molecular consequence: missense variant, initiator codon variant. On other transcripts: 5 prime UTR variant (2), non-coding transcript variant (1).
Genome position (GRCh38, 1-based): chr1:33,036,828, T>C on the plus strand (A>G on the coding strand, the complement: AK2 is on the minus strand). VCF-style: chr1-33036828-T-C. GRCh37 (hg19) VCF-style: chr1-33502429-T-C.
Other names: c.1A>G, p.Met1Val (NM_001199199.3, NM_001319141.3, NM_001319142.3 and 2 more transcripts); c.-262A>G (NM_001319139.3, NM_001319140.2); short protein forms M1V.
Identifiers: ClinVar variation 18252 (VCV000018252.7), dbSNP rs137853206, ClinGen allele CA127991.